The following is an entry in ClinVar:

NM_001371928.1(AHDC1):c.4369G>A (p.Asp1457Asn)

Gene: AHDC1 (AT-hook DNA binding motif containing 1; minus strand). Cytogenetic location: 1p36.11.
Variant type: single nucleotide variant.
Coding change: c.4369G>A on transcript NM_001371928.1 (MANE Select); coding-DNA position 4369, G replaced by A.
Protein change: p.Asp1457Asn; replaces aspartic acid 1457 with asparagine.
Molecular consequence: missense variant.
Genome position (GRCh38, 1-based): chr1:27,547,747, C>T on the plus strand (G>A on the coding strand, the complement: AHDC1 is on the minus strand). VCF-style: chr1-27547747-C-T. GRCh37 (hg19) VCF-style: chr1-27874258-C-T.
Other names: c.4369G>A, p.Asp1457Asn (NM_001029882.3); short protein forms D1457N.
Identifiers: ClinVar variation 387526 (VCV000387526.3), dbSNP rs775223166, ClinGen allele CA715373.

ClinVar aggregate classification (germline): Uncertain significance. Review status: criteria provided, multiple submitters, no conflicts (2 of 4 stars). 2 submissions from 2 submitters: Uncertain significance (2). Last evaluated 2025-01-04.

Conditions:
Inborn genetic diseases. Identifiers: MedGen C0950123, MeSH D030342.

Allele frequency attached by ClinVar (database versions not stated): ExAC 0.00001; gnomAD exomes 0.00001.
gnomAD v4.1: 12 of 1,591,516 alleles (0.00075%); highest among the groups gnomAD compares: South Asian, 0.009%; 1 homozygote.

Submissions (2):

Ambry Genetics
Classification: Uncertain significance for Inborn genetic diseases. Last evaluated: 2025-01-04. Review status: criteria provided, single submitter. Criteria: Ambry Variant Classification Scheme 2023. Collection method: clinical testing. Allele origin: germline.

GeneDx
Classification: Uncertain significance. Last evaluated: 2016-07-05. Review status: criteria provided, single submitter. Criteria: GeneDx Variant Classification (06012015). Collection method: clinical testing. Allele origin: germline. Affected: yes.
Comment: The D1457N variant in the AHDC1 gene has not been reported previously as a pathogenic variant, nor as a benign variant, to our knowledge. The D1457N variant was not observed in approximately 6,500 individuals of European and African American ancestry in the NHLBI Exome Sequencing Project, indicating it is not a common benign variant in these populations. The D1457N variant is a semi-conservative amino acid substitution, which may impact secondary protein structure as these residues differ in some properties. This substitution occurs at a position that is conserved in mammals. In silico analysis predicts this variant is probably damaging to the protein structure/function. We interpret D1457N as a variant of uncertain significance.